The following is an entry in ClinVar:

NM_001122630.2(CDKN1C):c.724G>A (p.Gly242Ser)

Gene: CDKN1C (cyclin dependent kinase inhibitor 1C; minus strand). Cytogenetic location: 11p15.4.
Variant type: single nucleotide variant.
Coding change: c.724G>A on transcript NM_001122630.2 (MANE Select); coding-DNA position 724, G replaced by A.
Protein change: p.Gly242Ser; replaces glycine 242 with serine.
Molecular consequence: missense variant. On other transcripts: intron variant (1).
Genome position (GRCh38, 1-based): chr11:2,884,733, C>T on the plus strand (G>A on the coding strand, the complement: CDKN1C is on the minus strand). VCF-style: chr11-2884733-C-T. GRCh37 (hg19) VCF-style: chr11-2905963-C-T.
Other names: c.757G>A, p.Gly253Ser (NM_000076.2, NM_001362474.2); c.724G>A, p.Gly242Ser (NM_001122631.2); c.255+469G>A (NM_001362475.2); short protein forms G242S, G253S.
Identifiers: ClinVar variation 2444873 (VCV002444873.1), dbSNP rs1462025809, ClinGen allele CA379145641.

ClinVar aggregate classification (germline): Uncertain significance (1 of 4 stars; one submission).

Conditions:
Beckwith-Wiedemann syndrome (BWS). Also called: EMG SYNDROME; Exomphalos macroglossia gigantism syndrome. Identifiers: Orphanet 116, MedGen C0004903, MONDO:0007534, OMIM 130650.

Submission:

St. Jude Molecular Pathology, St. Jude Children's Research Hospital
Classification: Uncertain significance for Beckwith-Wiedemann syndrome. Last evaluated: 2023-01-30. Review status: criteria provided, single submitter. Criteria: St. Jude Assertion Criteria 2020. Collection method: clinical testing. Allele origin: germline.
Comment: The CDKN1C c.757G>A (p.Gly253Ser) missense change is absent in gnomAD v2.1.1. The in silico tool REVEL predicts a benign effect on protein function, but to our knowledge, this prediction has not been confirmed by functional studies. To our knowledge, this variant has not been reported in individuals with Beckwith-Wiedemann syndrome or IMAGE syndrome. In summary, the evidence currently available is insufficient to determine the clinical significance of this variant. It has therefore been classified as of uncertain significance.